The following is an entry in ClinVar:

ClinVar aggregate classification (germline): Benign. Review status: criteria provided, multiple submitters, no conflicts (2 of 4 stars). 2 submissions from 2 submitters: Benign (2). Last evaluated 2023-02-01.

Conditions:
Mendelian susceptibility to mycobacterial diseases due to partial STAT1 deficiency. Also called: IMMUNODEFICIENCY 31A, MYCOBACTERIOSIS, AUTOSOMAL DOMINANT; STAT1 DEFICIENCY, AUTOSOMAL DOMINANT; Immunodeficiency 31a. Identifiers: Orphanet 319595, MedGen C4013950, MONDO:0013956, OMIM 614892.

Allele frequency attached by ClinVar (database versions not stated): 1000 Genomes Project 30x 0.00437; TOPMed 0.00598; 1000 Genomes Project 0.00419; gnomAD 0.00537 and 0.00555.

Submissions (2):

CeGaT Center for Human Genetics Tuebingen
Classification: Benign. Last evaluated: 2023-02-01. Review status: criteria provided, single submitter. Criteria: CeGaT Center For Human Genetics Tuebingen Variant Classification Criteria Version 2. Collection method: clinical testing. Allele origin: germline. Affected: yes. Observed: 2 variant alleles.
Comment: STAT1: BS1, BS2

Illumina Laboratory Services, Illumina
Classification: Benign for Mendelian susceptibility to mycobacterial diseases due to partial STAT1 deficiency. Last evaluated: 2018-01-13. Review status: criteria provided, single submitter. Criteria: ICSL Variant Classification Criteria 13 December 2019. Collection method: clinical testing. Allele origin: germline.
Comment: This variant was observed in the ICSL laboratory as part of a predisposition screen in an ostensibly healthy population. It had not been previously curated by ICSL or reported in the Human Gene Mutation Database (HGMD: prior to June 1st, 2018), and was therefore a candidate for classification through an automated scoring system. Utilizing variant allele frequency, disease prevalence and penetrance estimates, and inheritance mode, an automated score was calculated to assess if this variant is too frequent to cause the disease. Based on the score and internal cut-off values, a variant classified as benign is not then subjected to further curation. The score for this variant resulted in a classification of benign for this disease.

NM_007315.3(STAT1):c.-328C>T

Genes: STAT1 (signal transducer and activator of transcription 1; minus strand), LOC129935279 (ATAC-STARR-seq lymphoblastoid silent region 12192; plus strand). Cytogenetic location: 2q32.2.
Variant type: single nucleotide variant.
Coding change: c.-328C>T on transcript NM_007315.3; 328 bases upstream of the start codon, C replaced by T.
Genome position (GRCh38, 1-based): chr2:191,014,190, G>A on the plus strand (C>T on the coding strand, the complement: STAT1 is on the minus strand). VCF-style: chr2-191014190-G-A. GRCh37 (hg19) VCF-style: chr2-191878916-G-A.
Identifiers: ClinVar variation 333300 (VCV000333300.29), dbSNP rs45502197, ClinGen allele CA10612281.